The following is an entry in ClinVar:

NM_018341.3(ERMARD):c.278G>A (p.Arg93Gln)

Gene: ERMARD (ER membrane associated RNA degradation; plus strand). Cytogenetic location: 6q27.
Variant type: single nucleotide variant.
Coding change: c.278G>A on transcript NM_018341.3 (MANE Select); coding-DNA position 278, G replaced by A.
Protein change: p.Arg93Gln; replaces arginine 93 with glutamine.
Molecular consequence: missense variant. On other transcripts: 5 prime UTR variant (1).
Genome position (GRCh38, 1-based): chr6:169,755,385, G>A. VCF-style: chr6-169755385-G-A. GRCh37 (hg19) VCF-style: chr6-170155481-G-A.
Other names: c.278G>A, p.Arg93Gln (NM_001278531.2, NM_001278533.2); c.-101G>A (NM_001278532.2); short protein forms R93Q.
Identifiers: ClinVar variation 747185 (VCV000747185.10), dbSNP rs142642959, ClinGen allele CA4105782.
Genomic context (GRCh38, chr6:169,755,385, plus strand): 5'-CTGTGTGTGAGGCTGTCCATTCACATTTCTTATCTCTGACCAAGGGGCAATTTGAAATTC[G>A]ATATGCACCGTGGTTCCAGTGGACAAGTTTTCCAGAGGTTTGGCTTTTGAACAACCTTTA-3'
Protein context (NP_060811.1, residues 83-103): LSLTKGQFEI[Arg93Gln]YAPWFQWTSF

ClinVar aggregate classification (germline): Likely benign. Review status: criteria provided, single submitter (1 of 4 stars). 2 submissions from 2 submitters: Likely benign (1). 1 of the submissions does not count toward it. Last evaluated 2025-08-11.

Conditions:
ERMARD-related disorder. Also called: ERMARD-related condition.

Allele frequency attached by ClinVar (database versions not stated): gnomAD 0.00013; 1000 Genomes Project 30x 0.00031; 1000 Genomes Project 0.00040; TOPMed 0.00062.
gnomAD v4.1: 167 of 1,614,136 alleles (0.01%); highest among the groups gnomAD compares: East Asian, 0.28%; 1 homozygote.

Submissions (2):

Labcorp Genetics (formerly Invitae), Labcorp
Classification: Likely benign. Last evaluated: 2025-08-11. Review status: criteria provided, single submitter. Criteria: Invitae Variant Classification Sherloc (09022015). Collection method: clinical testing. Allele origin: germline.

PreventionGenetics, part of Exact Sciences
Classification: Benign for ERMARD-related condition. Last evaluated: 2019-06-13. Review status: no assertion criteria provided. Collection method: clinical testing. Allele origin: germline. Not counted in ClinVar's aggregate classification.
Comment: This variant is classified as benign based on ACMG/AMP sequence variant interpretation guidelines (Richards et al. 2015 PMID: 25741868, with internal and published modifications).